The following is an entry in ClinVar:

NM_001942.4(DSG1):c.239A>C (p.Asn80Thr)

Gene: DSG1 (desmoglein 1; plus strand). Cytogenetic location: 18q12.1.
Variant type: single nucleotide variant.
Coding change: c.239A>C on transcript NM_001942.4 (MANE Select); coding-DNA position 239, A replaced by C.
Protein change: p.Asn80Thr; replaces asparagine 80 with threonine.
Molecular consequence: missense variant.
Genome position (GRCh38, 1-based): chr18:31,328,211, A>C. VCF-style: chr18-31328211-A-C. GRCh37 (hg19) VCF-style: chr18-28908174-A-C.
Other names: short protein forms N80T.
Identifiers: ClinVar variation 3649378 (VCV003649378.2).

ClinVar aggregate classification (germline): Uncertain significance (1 of 4 stars; one submission).

gnomAD v4.1: 1 of 1,613,428 alleles (0.000062%); highest among the groups gnomAD compares: African/African-American, 0.0013%; no homozygotes.

Submission:

Labcorp Genetics (formerly Invitae), Labcorp
Classification: Uncertain significance. Last evaluated: 2024-04-15. Review status: criteria provided, single submitter. Criteria: Invitae Variant Classification Sherloc (09022015). Collection method: clinical testing. Allele origin: germline.
Comment: This sequence change replaces asparagine, which is neutral and polar, with threonine, which is neutral and polar, at codon 80 of the DSG1 protein (p.Asn80Thr). This variant is present in population databases (no rsID available, gnomAD 0.007%). This variant has not been reported in the literature in individuals affected with DSG1-related conditions. Advanced modeling of protein sequence and biophysical properties (such as structural, functional, and spatial information, amino acid conservation, physicochemical variation, residue mobility, and thermodynamic stability) performed at Invitae indicates that this missense variant is not expected to disrupt DSG1 protein function with a negative predictive value of 80%. In summary, the available evidence is currently insufficient to determine the role of this variant in disease. Therefore, it has been classified as a Variant of Uncertain Significance.